The following is an entry in ClinVar:

ClinVar aggregate classification (germline): Pathogenic. Review status: reviewed by expert panel (3 of 4 stars). 12 submissions from 12 submitters: Pathogenic (1). 11 of the submissions do not count toward it. Last evaluated 2016-09-08.

Conditions:
Ovarian neoplasm. Also called: Ovarian Neoplasms; Neoplasm of ovary; Ovarian tumor. Identifiers: MedGen C0919267, MeSH D010051, MONDO:0021068, HP:0100615.
BRCA1-related cancer predisposition. Identifiers: MedGen CN377757, MONDO:0700268.
Hereditary cancer-predisposing syndrome. Also called: Hereditary Cancer Syndrome; Hereditary neoplastic syndrome; Neoplastic Syndromes, Hereditary; Tumor predisposition. Identifiers: Orphanet 140162, MedGen C0027672, MeSH D009386, MONDO:0015356.
Breast-ovarian cancer, familial, susceptibility to, 1 (BROVCA1). Also called: BRCA1 Hereditary Breast and Ovarian Cancer; OVARIAN CANCER, SUSCEPTIBILITY TO. Identifiers: Orphanet 145, MedGen C2676676, MONDO:0011450, OMIM 604370. Disease mechanism: loss of function.
Hereditary breast ovarian cancer syndrome. Also called: BRCA1- and BRCA2-Associated Hereditary Breast and Ovarian Cancer; Hereditary breast and ovarian cancer syndrome; Hereditary breast and ovarian cancer syndrome (HBOC); Breast and ovarian cancer; Hereditary breast and/or ovarian cancer syndrome; Hereditary breast and ovarian cancer. Identifiers: Orphanet 145, MedGen C0677776, MeSH D061325, MONDO:0003582. Disease mechanism: loss of function.

Submissions (12):

Evidence-based Network for the Interpretation of Germline Mutant Alleles (ENIGMA)
Classification: Pathogenic for Breast-ovarian cancer, familial, susceptibility to, 1. Last evaluated: 2016-09-08. Review status: reviewed by expert panel. Criteria: ENIGMA BRCA1/2 Classification Criteria (2015). Collection method: curation. Allele origin: germline.
Comment: Variant allele predicted to encode a truncated non-functional protein.

Institute of Human Genetics, University of Leipzig Medical Center
Classification: Pathogenic for Breast-ovarian cancer, familial, susceptibility to, 1. Last evaluated: 2026-07-08. Review status: criteria provided, single submitter. Criteria: ACMG Guidelines, 2015. Collection method: clinical testing. Allele origin: paternal. Inheritance: Autosomal dominant inheritance. Affected: yes. Not counted in ClinVar's aggregate classification.
Comment: Criteria applied: PVS1,PM5_STR,PM2_SUP

Labcorp Genetics (formerly Invitae), Labcorp
Classification: Pathogenic for Hereditary breast ovarian cancer syndrome. Last evaluated: 2025-02-06. Review status: criteria provided, single submitter. Criteria: Invitae Variant Classification Sherloc (09022015). Collection method: clinical testing. Allele origin: germline. Not counted in ClinVar's aggregate classification.
Comment: This sequence change creates a premature translational stop signal (p.His1511Glnfs*9) in the BRCA1 gene. It is expected to result in an absent or disrupted protein product. Loss-of-function variants in BRCA1 are known to be pathogenic (PMID: 20104584). This variant is not present in population databases (gnomAD no frequency). This premature translational stop signal has been observed in individual(s) with breast and/or ovarian cancer (PMID: 11802209). This variant is also known as 4652delCA (1519X). ClinVar contains an entry for this variant (Variation ID: 55223). For these reasons, this variant has been classified as Pathogenic.

All of Us Research Program, National Institutes of Health
Classification: Pathogenic for BRCA1-related cancer predisposition. Last evaluated: 2024-09-16. Review status: criteria provided, single submitter. Criteria: ACMG Guidelines, 2015. Collection method: clinical testing. Allele origin: germline. Inheritance: Autosomal dominant inheritance. Observed: 1 variant allele, 1 heterozygote. Not counted in ClinVar's aggregate classification.
Comment: This variant deletes 2 nucleotides in exon 14 of the BRCA1 gene, creating a frameshift and premature translation stop signal. This variant is expected to result in an absent or non-functional protein product. This variant has been reported in three individuals affected with breast cancer (PMID: 28145423, 29791287), over 10 suspected hereditary breast and ovarian cancer families (PMID: 10699917, 11802209, 28324225, 29446198) and in one individual unaffected with cancer (PMID: 31395037). This variant has not been identified in the general population by the Genome Aggregation Database (gnomAD). Loss of BRCA1 function is a known mechanism of disease. Based on the available evidence, this variant is classified as Pathogenic.

This study involves interpretation of variants in research participants for the purpose of population health screening. Participant phenotype was not available at the time of variant classification. Additional details can be found in publication PMID: 35346344, PMCID: PMC8962531

Revvity Omics, Revvity
Classification: Pathogenic. Last evaluated: 2022-04-21. Review status: criteria provided, single submitter. Criteria: ACMG Guidelines, 2015. Collection method: clinical testing. Allele origin: germline. Not counted in ClinVar's aggregate classification.

Ambry Genetics
Classification: Pathogenic for Hereditary cancer-predisposing syndrome. Last evaluated: 2021-12-14. Review status: criteria provided, single submitter. Criteria: Ambry Variant Classification Scheme 2023. Collection method: clinical testing. Allele origin: germline. Not counted in ClinVar's aggregate classification.
Comment: The c.4533_4534delCA pathogenic mutation, located in coding exon 13 of the BRCA1 gene, results from a deletion of two nucleotides at nucleotide positions 4533 to 4534, causing a translational frameshift with a predicted alternate stop codon (p.H1511Qfs*9). This alteration has been seen in multiple HBOC German families (Meindl A et al. Int. J. Cancer. 2002 Feb;97:472-80; Meisel C et al. Arch. Gynecol. Obstet., 2017 May;295:1227-1238). Of note, this variant may be referred to as 4652delCA in some literature. This variant is considered to be rare based on population cohorts in the Genome Aggregation Database (gnomAD). In addition to the clinical data presented in the literature, this alteration is expected to result in loss of function by premature protein truncation or nonsense-mediated mRNA decay. As such, this alteration is interpreted as a disease-causing mutation.

Institute for Clinical Genetics, University Hospital TU Dresden, University Hospital TU Dresden
Classification: Pathogenic. Last evaluated: 2021-11-03. Review status: criteria provided, single submitter. Criteria: ACMG Guidelines, 2015. Collection method: clinical testing. Allele origin: germline. Not counted in ClinVar's aggregate classification.

Women's Health and Genetics/Laboratory Corporation of America, LabCorp
Classification: Pathogenic for Hereditary breast and ovarian cancer syndrome. Last evaluated: 2017-12-22. Review status: criteria provided, single submitter. Criteria: LabCorp Variant Classification Summary - May 2015. Collection method: clinical testing. Allele origin: germline. Not counted in ClinVar's aggregate classification.
Comment: Variant summary: The BRCA1 c.4533_4534delCA (p.His1511GlnfsX9) variant (also known as 4650delCA and 4652delCA) results in a premature termination codon, predicted to cause a truncated or absent BRCA1 protein due to nonsense mediated decay, which are commonly known mechanisms for disease. Truncations downstream of this position have been classified as pathogenic by our laboratory (e.g. p.Glu1694X, p.Gln1747X, p.Arg1835X, etc.). This variant is absent in 277114 control chromosomes (gnomAD). This variant has been reported in at least four unrelated HBOC patients in literature (Meisel_2017, Judkins_2005, Meindl_2002, Meindl_2000). Multiple clinical diagnostic laboratories/reputable databases have classified this variant as pathogenic. Taken together, this variant is classified as pathogenic.

Consortium of Investigators of Modifiers of BRCA1/2 (CIMBA), c/o University of Cambridge
Classification: Pathogenic for Breast-ovarian cancer, familial, susceptibility to, 1. Last evaluated: 2015-10-02. Review status: criteria provided, single submitter. Criteria: CIMBA Mutation Classification guidelines May 2016. Collection method: clinical testing. Allele origin: germline. Not counted in ClinVar's aggregate classification.

German Consortium for Hereditary Breast and Ovarian Cancer, University Hospital Cologne
Classification: Pathogenic for Ovarian neoplasm. Last evaluated: 2018-12-01. Review status: no assertion criteria provided. Collection method: research. Allele origin: germline. Affected: yes. Not counted in ClinVar's aggregate classification.

Counsyl
Classification: Pathogenic for Breast-ovarian cancer, familial, susceptibility to, 1. Last evaluated: 2016-02-26. Review status: no assertion criteria provided. Collection method: clinical testing. Allele origin: unknown. Not counted in ClinVar's aggregate classification.

Breast Cancer Information Core (BIC) (BRCA1)
Classification: Pathogenic for Breast-ovarian cancer, familial 1. Last evaluated: 2002-05-29. Review status: no assertion criteria provided. Collection method: clinical testing. Allele origin: germline. Affected: yes. Observed: 4 variant alleles. Not counted in ClinVar's aggregate classification.

Literature cited by the submitters: PubMed 20104584 (cited by Labcorp Genetics (formerly Invitae), Labcorp); PubMed 11802209 (cited by 5 submitters); PubMed 10699917 (cited by All of Us Research Program, National Institutes of Health and Women's Health and Genetics/Laboratory Corporation of America, LabCorp); PubMed 28145423 (cited by All of Us Research Program, National Institutes of Health); PubMed 28324225 (cited by 3 submitters); PubMed 29446198 (cited by All of Us Research Program, National Institutes of Health); PubMed 29791287 (cited by All of Us Research Program, National Institutes of Health); PubMed 31395037 (cited by All of Us Research Program, National Institutes of Health); PubMed 16267036 (cited by Women's Health and Genetics/Laboratory Corporation of America, LabCorp).

NM_007294.4(BRCA1):c.4533_4534del (p.His1511fs)

Gene: BRCA1 (BRCA1 DNA repair associated; minus strand). Cytogenetic location: 17q21.31.
Variant type: Microsatellite.
Coding change: c.4533_4534del on transcript NM_007294.4 (MANE Select); coding-DNA positions 4533 to 4534, 2 bases deleted (CA; older notation c.4533_4534delCA).
Protein change: p.His1511fs; shifts the reading frame from histidine 1511.
Molecular consequence: frameshift variant. On other transcripts: non-coding transcript variant (1).
Genome position (GRCh38, 1-based): chr17:43,074,472-43,074,473, TG deleted on the plus strand (CA on the coding strand, the reverse complement: BRCA1 is on the minus strand); deleting any 2 consecutive bases within chr17:43,074,472-43,074,475 gives the same sequence; the c. name uses the placement nearest the transcript's 3' end. VCF-style (leftmost placement, unchanged base first): chr17-43074471-CTG-C. GRCh37 (hg19) VCF-style: chr17-41226488-CTG-C.
Other names: 4652delCA; c.4533_4534delCA (NM_007294.3); c.4264_4265CA[1], p.His1422Glnfs (NM_001407927.1, NM_001407928.1, NM_001407929.1 and 4 more transcripts); c.4261_4262CA[1], p.His1421Glnfs (NM_001407934.1, NM_001407935.1, NM_001407936.1); c.4408_4409CA[1], p.His1470Glnfs (NM_001407937.1, NM_001407938.1, NM_001407664.1 and 6 more transcripts); c.4405_4406CA[1], p.His1469Glnfs (NM_001407939.1, NM_001407940.1, NM_001407670.1 and 11 more transcripts); c.4402_4403CA[1], p.His1468Glnfs (NM_001407941.1, NM_001407681.1, NM_001407682.1 and 6 more transcripts); c.4390_4391CA[1], p.His1464Glnfs (NM_001407942.1, NM_001407692.1, NM_001407694.1 and 12 more transcripts); and 73 more; short protein forms H1464fs, H1511fs, H1532fs, H407fs.
Identifiers: ClinVar variation 55223 (VCV000055223.34), dbSNP rs80357534, ClinGen allele CA002895.